The following is an entry in ClinVar:

ClinVar aggregate classification (germline): Pathogenic (1 of 4 stars; one submission).

Conditions:
Osteogenesis imperfecta type I (OI1). Also called: Classic Non-deforming Osteogenesis Imperfecta with Blue Sclerae; Lobstein's Disease; Lobstein disease; OI, TYPE I; OSTEOGENESIS IMPERFECTA TARDA; OSTEOGENESIS IMPERFECTA WITH BLUE SCLERAE. Identifiers: Orphanet 216796, Orphanet 666, MedGen C0023931, MONDO:0008146, OMIM 166200. Disease mechanism: loss of function.

Submission:

Labcorp Genetics (formerly Invitae), Labcorp
Classification: Pathogenic for Osteogenesis imperfecta type I. Last evaluated: 2023-03-14. Review status: criteria provided, single submitter. Criteria: Invitae Variant Classification Sherloc (09022015). Collection method: clinical testing. Allele origin: germline.
Comment: For these reasons, this variant has been classified as Pathogenic. This variant disrupts the p.Gly593 amino acid residue in COL1A1. Other variant(s) that disrupt this residue have been observed in individuals with COL1A1-related conditions (PMID: 1445258, 1770532, 17078022, 27509835), which suggests that this may be a clinically significant amino acid residue. This variant disrupts the triple helix domain of COL1A1. Glycine residues within the Gly-Xaa-Yaa repeats of the triple helix domain are required for the structure and stability of fibrillar collagens (PMID: 7695699, 8218237, 19344236). In COL1A1, variants affecting these glycine residues are significantly enriched in individuals with disease (PMID: 9016532, 17078022) compared to the general population (ExAC). Advanced modeling of protein sequence and biophysical properties (such as structural, functional, and spatial information, amino acid conservation, physicochemical variation, residue mobility, and thermodynamic stability) performed at Invitae indicates that this missense variant is expected to disrupt COL1A1 protein function. ClinVar contains an entry for this variant (Variation ID: 1433732). This missense change has been observed in individual(s) with osteogenesis imperfecta (Invitae). This variant is not present in population databases (gnomAD no frequency). This sequence change replaces glycine, which is neutral and non-polar, with alanine, which is neutral and non-polar, at codon 593 of the COL1A1 protein (p.Gly593Ala).

Literature cited by the submitters: PubMed 1445258; PubMed 1770532; PubMed 17078022; PubMed 27509835; PubMed 7695699; PubMed 8218237; PubMed 19344236; PubMed 9016532.

NM_000088.4(COL1A1):c.1778G>C (p.Gly593Ala)

Gene: COL1A1 (collagen type I alpha 1 chain; minus strand). Cytogenetic location: 17q21.33.
Variant type: single nucleotide variant.
Coding change: c.1778G>C on transcript NM_000088.4 (MANE Select); coding-DNA position 1778, G replaced by C.
Protein change: p.Gly593Ala; replaces glycine 593 with alanine.
Molecular consequence: missense variant.
Genome position (GRCh38, 1-based): chr17:50,193,037, C>G on the plus strand (G>C on the coding strand, the complement: COL1A1 is on the minus strand). VCF-style: chr17-50193037-C-G. GRCh37 (hg19) VCF-style: chr17-48270398-C-G.
Other names: short protein forms G593A.
Identifiers: ClinVar variation 1433732 (VCV001433732.4), dbSNP rs72651613, ClinGen allele CA400214957.
Genomic context (GRCh38, chr17:50,193,037, plus strand): 5'-GGAAAGGAGATACTTACGACAGCGCCAGGGGGTCCGGGAACACCTCGCTCTCCAGCCTTG[C>G]CGGGCTCTCCCTGTGGAGAAAGGGAGTTAGGGTTGAGGGGGCTGAAGTGAGAAGCCAGGG-3'
Protein context (NP_000079.2, residues 583-603): PGPKGAAGEP[Gly593Ala]KAGERGVPGP